The following is an entry in ClinVar:

NM_000081.4(LYST):c.3658G>A (p.Gly1220Ser)

Gene: LYST (lysosomal trafficking regulator; minus strand). Cytogenetic location: 1q42.3.
Variant type: single nucleotide variant.
Coding change: c.3658G>A on transcript NM_000081.4 (MANE Select); coding-DNA position 3658, G replaced by A.
Protein change: p.Gly1220Ser; replaces glycine 1220 with serine.
Molecular consequence: missense variant.
Genome position (GRCh38, 1-based): chr1:235,802,962, C>T on the plus strand (G>A on the coding strand, the complement: LYST is on the minus strand). VCF-style: chr1-235802962-C-T. GRCh37 (hg19) VCF-style: chr1-235966262-C-T.
Other names: c.3658G>A, p.Gly1220Ser (NM_001301365.1); short protein forms G1220S.
Identifiers: ClinVar variation 1443875 (VCV001443875.7), dbSNP rs2527036953, ClinGen allele CA344946657.

ClinVar aggregate classification (germline): Uncertain significance (1 of 4 stars; one submission).

Conditions:
Chédiak-Higashi syndrome (CHS). Also called: Chediak-Higashi Syndrome. Identifiers: Orphanet 167, MedGen C0007965, MONDO:0008963, OMIM 214500.

Submission:

Labcorp Genetics (formerly Invitae), Labcorp
Classification: Uncertain significance for Chédiak-Higashi syndrome. Last evaluated: 2021-02-21. Review status: criteria provided, single submitter. Criteria: Invitae Variant Classification Sherloc (09022015). Collection method: clinical testing. Allele origin: germline.
Comment: Algorithms developed to predict the effect of missense changes on protein structure and function are either unavailable or do not agree on the potential impact of this missense change (SIFT: "Deleterious"; PolyPhen-2: "Probably Damaging"; Align-GVGD: "Class C0"). In summary, the available evidence is currently insufficient to determine the role of this variant in disease. Therefore, it has been classified as a Variant of Uncertain Significance. This variant has not been reported in the literature in individuals with LYST-related conditions. This variant is not present in population databases (ExAC no frequency). This sequence change replaces glycine with serine at codon 1220 of the LYST protein (p.Gly1220Ser). The glycine residue is highly conserved and there is a small physicochemical difference between glycine and serine.